The following is an entry in ClinVar:

NM_001184880.2(PCDH19):c.292A>C (p.Lys98Gln)

Gene: PCDH19 (protocadherin 19; minus strand). Cytogenetic location: Xq22.1.
Variant type: single nucleotide variant.
Coding change: c.292A>C on transcript NM_001184880.2 (MANE Select); coding-DNA position 292, A replaced by C.
Protein change: p.Lys98Gln; replaces lysine 98 with glutamine.
Molecular consequence: missense variant.
Genome position (GRCh38, 1-based): chrX:100,408,306, T>G on the plus strand (A>C on the coding strand, the complement: PCDH19 is on the minus strand). VCF-style: chrX-100408306-T-G. GRCh37 (hg19) VCF-style: chrX-99663304-T-G.
Other names: c.292A>C (NM_001184880.1); c.292A>C, p.Lys98Gln (NM_001105243.2, NM_020766.3); short protein forms K98Q.
Identifiers: ClinVar variation 1415616 (VCV001415616.7), dbSNP rs372702479, ClinGen allele CA333826103.

ClinVar aggregate classification (germline): Uncertain significance. Review status: criteria provided, multiple submitters, no conflicts (2 of 4 stars). 2 submissions from 2 submitters: Uncertain significance (2). Last evaluated 2026-04-06.

Conditions:
Developmental and epileptic encephalopathy, 9 (DEE9). Also called: Early infantile epileptic encephalopathy 9; EPILEPSY, FEMALE-RESTRICTED, WITH MENTAL RETARDATION; JUBERG-HELLMAN SYNDROME; PCDH19-Related X-Linked Female-Limited Epilepsy with Mental Retardation. Identifiers: Orphanet 101039, Orphanet 2076, MedGen C1848137, MONDO:0010246, OMIM 300088. Disease mechanism: loss of function.
Inborn genetic diseases. Identifiers: MedGen C0950123, MeSH D030342.

Allele frequency attached by ClinVar (database versions not stated): TOPMed 0.00002; gnomAD 0.00001; ESP Exome Variant Server 0.00010.
gnomAD v4.1: 1 of 1,209,348 alleles (0.000083%); highest among the groups gnomAD compares: Non-Finnish European, 0.00011%; no homozygotes.

Submissions (2):

Ambry Genetics
Classification: Uncertain significance for Inborn genetic diseases. Last evaluated: 2026-04-06. Review status: criteria provided, single submitter. Criteria: Ambry Variant Classification Scheme 2023. Collection method: clinical testing. Allele origin: germline.

Labcorp Genetics (formerly Invitae), Labcorp
Classification: Uncertain significance for Developmental and epileptic encephalopathy, 9. Last evaluated: 2025-12-30. Review status: criteria provided, single submitter. Criteria: Invitae Variant Classification Sherloc (09022015). Collection method: clinical testing. Allele origin: germline.
Comment: This sequence change replaces lysine, which is basic and polar, with glutamine, which is neutral and polar, at codon 98 of the PCDH19 protein (p.Lys98Gln). This variant is not present in population databases (gnomAD no frequency). This variant has not been reported in the literature in individuals affected with PCDH19-related conditions. ClinVar contains an entry for this variant (Variation ID: 1415616). Invitae Evidence Modeling of protein sequence and biophysical properties (such as structural, functional, and spatial information, amino acid conservation, physicochemical variation, residue mobility, and thermodynamic stability) indicates that this missense variant is not expected to disrupt PCDH19 protein function with a negative predictive value of 95%. In summary, the available evidence is currently insufficient to determine the role of this variant in disease. Therefore, it has been classified as a Variant of Uncertain Significance.